The following is an entry in ClinVar:

NM_017934.7(PHIP):c.1064C>A (p.Pro355Gln)

Gene: PHIP (PHIP subunit of CUL4-Ring ligase complex; minus strand). Cytogenetic location: 6q14.1.
Variant type: single nucleotide variant.
Coding change: c.1064C>A on transcript NM_017934.7 (MANE Select); coding-DNA position 1064, C replaced by A.
Protein change: p.Pro355Gln; replaces proline 355 with glutamine.
Molecular consequence: missense variant.
Genome position (GRCh38, 1-based): chr6:79,017,514, G>T on the plus strand (C>A on the coding strand, the complement: PHIP is on the minus strand). VCF-style: chr6-79017514-G-T. GRCh37 (hg19) VCF-style: chr6-79727231-G-T.
Other names: short protein forms P355Q.
Identifiers: ClinVar variation 3899767 (VCV003899767.2).

ClinVar aggregate classification (germline): Uncertain significance (1 of 4 stars; one submission).

Submission:

GeneDx
Classification: Uncertain significance. Last evaluated: 2026-04-01. Review status: criteria provided, single submitter. Criteria: GeneDx Variant Classification Process June 2021. Collection method: clinical testing. Allele origin: germline.
Comment: Not observed at significant frequency in large population cohorts (gnomAD); In silico analysis supports that this missense variant has a deleterious effect on protein structure/function; Has not been previously published as pathogenic or benign to our knowledge